The following is an entry in ClinVar:

NM_001378974.1(FBXW11):c.1522A>C (p.Thr508Pro)

Gene: FBXW11 (F-box and WD repeat domain containing 11; minus strand). Cytogenetic location: 5q35.1.
Variant type: single nucleotide variant.
Coding change: c.1522A>C on transcript NM_001378974.1 (MANE Select); coding-DNA position 1522, A replaced by C.
Protein change: p.Thr508Pro; replaces threonine 508 with proline.
Molecular consequence: missense variant.
Genome position (GRCh38, 1-based): chr5:171,869,737, T>G on the plus strand (A>C on the coding strand, the complement: FBXW11 is on the minus strand). VCF-style: chr5-171869737-T-G. GRCh37 (hg19) VCF-style: chr5-171296741-T-G.
Other names: c.1453A>C, p.Thr485Pro (NM_001378975.1); c.1426A>C, p.Thr476Pro (NM_001378976.1); c.1363A>C, p.Thr455Pro (NM_001378977.1, NM_001378978.1, NM_001378979.1); c.1357A>C, p.Thr453Pro (NM_001378980.1, NM_033645.3); c.1459A>C, p.Thr487Pro (NM_012300.3); c.1420A>C, p.Thr474Pro (NM_033644.3); short protein forms T453P, T455P, T474P, T476P, T485P, T487P, T508P.
Identifiers: ClinVar variation 3359653 (VCV003359653.1).
Genomic context (GRCh38, chr5:171,869,737, plus strand): 5'-ATGGTCATCCTCCAGCACAGGGAACCAATTCCCGTCTCAAGAGATCACATACCACCAATG[T>G]GCGCAAACACAATGTGCTTGCTGGGGCTCGAGGGTCAAGAGCAGCTTGCAAGTCCCAAAC-3'
Protein context (NP_001365903.1, residues 498-518): RAPASTLCLR[Thr508Pro]LVEHSGRVFR

ClinVar aggregate classification (germline): Uncertain significance (1 of 4 stars; one submission).

Submission:

GeneDx
Classification: Uncertain significance. Last evaluated: 2023-06-07. Review status: criteria provided, single submitter. Criteria: GeneDx Variant Classification Process June 2021. Collection method: clinical testing. Allele origin: germline. Affected: yes.
Comment: Not observed at significant frequency in large population cohorts (gnomAD); In silico analysis supports that this missense variant has a deleterious effect on protein structure/function; Has not been previously published as pathogenic or benign to our knowledge